The following is an entry in ClinVar:

NM_016032.4(ZDHHC9):c.892C>T (p.Arg298Ter)

Gene: ZDHHC9 (zDHHC palmitoyltransferase 9; minus strand). Cytogenetic location: Xq26.1.
Variant type: single nucleotide variant.
Coding change: c.892C>T on transcript NM_016032.4 (MANE Select); coding-DNA position 892, C replaced by T.
Protein change: p.Arg298Ter; replaces arginine 298 with a stop codon.
Molecular consequence: nonsense.
Genome position (GRCh38, 1-based): chrX:129,810,991, G>A on the plus strand (C>T on the coding strand, the complement: ZDHHC9 is on the minus strand). VCF-style: chrX-129810991-G-A. GRCh37 (hg19) VCF-style: chrX-128944967-G-A.
Other names: c.892C>T, p.Arg298Ter (NM_001008222.3); short protein forms R298*.
Identifiers: ClinVar variation 2228665 (VCV002228665.3), dbSNP rs2522181867, ClinGen allele CA414581687.

ClinVar aggregate classification (germline): Pathogenic/Likely pathogenic. Review status: criteria provided, multiple submitters, no conflicts (2 of 4 stars). 2 submissions from 2 submitters: Pathogenic (1); Likely pathogenic (1). Last evaluated 2023-02-15.

Conditions:
Intellectual developmental disorder, X-linked, syndromic, Raymond type. Also called: Syndromic X-linked intellectual disability Raymond type. Identifiers: MedGen C3275406, MONDO:0010427, OMIM 300799.
Inborn genetic diseases. Identifiers: MedGen C0950123, MeSH D030342.

Submissions (2):

Equipe Genetique des Anomalies du Developpement, Université de Bourgogne
Classification: Likely pathogenic for Intellectual developmental disorder, X-linked, syndromic, Raymond type. Last evaluated: 2023-02-15. Review status: criteria provided, single submitter. Criteria: ACMG Guidelines, 2015. Collection method: clinical testing. Allele origin: unknown. Inheritance: X-linked inheritance. Affected: yes.

Ambry Genetics
Classification: Pathogenic for Inborn genetic diseases. Last evaluated: 2021-01-07. Review status: criteria provided, single submitter. Criteria: Ambry Variant Classification Scheme 2023. Collection method: clinical testing. Allele origin: germline.
Comment: The c.892C>T (p.R298*) alteration, located in exon 10 (coding exon 8) of the ZDHHC9 gene, consists of a C to T substitution at nucleotide position 892. This changes the amino acid from a arginine (R) to a stop codon at amino acid position 298. In addition to the clinical data presented in the literature, this alteration is expected to result in loss of function by premature protein truncation or nonsense-mediated mRNA decay. It was also identified in the proband's unaffected sister, mother, and maternal grandmother and was absent from the proband's unaffected brother and two unaffected maternal uncles (Masurel-Paulet, 2014). Based on the available evidence, this alteration is classified as pathogenic.

Literature cited by the submitters: PubMed 24357419 (cited by Ambry Genetics).